The following is an entry in ClinVar:

ClinVar aggregate classification (germline): Uncertain significance (1 of 4 stars; one submission).

Conditions:
Cardiovascular phenotype. Identifiers: MedGen CN230736.

Submission:

Ambry Genetics
Classification: Uncertain significance for Cardiovascular phenotype. Last evaluated: 2022-10-03. Review status: criteria provided, single submitter. Criteria: Ambry Variant Classification Scheme 2023. Collection method: clinical testing. Allele origin: germline.
Comment: The p.V2988E variant (also known as c.8963T>A), located in coding exon 2 of the ZNF469 gene, results from a T to A substitution at nucleotide position 8963. The valine at codon 2988 is replaced by glutamic acid, an amino acid with dissimilar properties. This amino acid position is conserved. In addition, this alteration is predicted to be tolerated by in silico analysis. Since supporting evidence is limited at this time, the clinical significance of this alteration remains unclear.

NM_001367624.2(ZNF469):c.9047T>A (p.Val3016Glu)

Gene: ZNF469 (zinc finger protein 469; plus strand). Cytogenetic location: 16q24.2.
Variant type: single nucleotide variant.
Coding change: c.9047T>A on transcript NM_001367624.2 (MANE Select); coding-DNA position 9047, T replaced by A.
Protein change: p.Val3016Glu; replaces valine 3016 with glutamic acid.
Molecular consequence: missense variant.
Genome position (GRCh38, 1-based): chr16:88,436,517, T>A. VCF-style: chr16-88436517-T-A. GRCh37 (hg19) VCF-style: chr16-88502925-T-A.
Other names: NM_001127464.1:c.8963T>A; short protein forms V3016E.
Identifiers: ClinVar variation 1765265 (VCV001765265.2), dbSNP rs765473138, ClinGen allele CA397120392.
Genomic context (GRCh38, chr16:88,436,517, plus strand): 5'-CTTGGCGAGGCCTGGAGATGCCGGCCCCTGCCGATGACTCCTCCTCTTCTCTCGGAGATG[T>A]GAGCCCCGAGCCCCCCAGCCTGGAGAGAGAACGCTGTGACGGTGGGCTTCCCGGGAACAC-3'
Protein context (NP_001354553.1, residues 3006-3026): ADDSSSSLGD[Val3016Glu]SPEPPSLERE